The following is an entry in ClinVar:

NM_001022.3(RPS19):c.-234G>A

Gene: RPS19 (ribosomal protein S19; plus strand). Cytogenetic location: 19q13.2.
Variant type: single nucleotide variant.
Coding change: c.-234G>A on transcript NM_001022.3; 234 bases upstream of the start codon, G replaced by A.
Genome position (GRCh38, 1-based): chr19:41,860,056, G>A. VCF-style: chr19-41860056-G-A. GRCh37 (hg19) VCF-style: chr19-42364126-G-A.
Identifiers: ClinVar variation 329382 (VCV000329382.7), dbSNP rs142324259, ClinGen allele CA10652491.

ClinVar aggregate classification (germline): Benign (1 of 4 stars; one submission).

Conditions:
Diamond-Blackfan anemia 1 (DBA1). Also called: RPS19-Related Diamond-Blackfan Anemia; BLACKFAN-DIAMOND SYNDROME; ANEMIA, CONGENITAL HYPOPLASTIC, OF BLACKFAN AND DIAMOND; ANEMIA, CONGENITAL ERYTHROID HYPOPLASTIC; RED CELL APLASIA, PURE, HEREDITARY; AREGENERATIVE ANEMIA, CHRONIC CONGENITAL. Identifiers: Orphanet 124, MedGen C2676137, MONDO:0007110, OMIM 105650.

Allele frequency attached by ClinVar (database versions not stated): gnomAD 0.00152 and 0.00161; TOPMed 0.00187; 1000 Genomes Project 30x 0.00141; 1000 Genomes Project 0.00160.

Submission:

Illumina Laboratory Services, Illumina
Classification: Benign for Diamond-Blackfan anemia 1. Last evaluated: 2018-01-13. Review status: criteria provided, single submitter. Criteria: ICSL Variant Classification Criteria 13 December 2019. Collection method: clinical testing. Allele origin: germline.
Comment: This variant was observed in the ICSL laboratory as part of a predisposition screen in an ostensibly healthy population. It had not been previously curated by ICSL or reported in the Human Gene Mutation Database (HGMD: prior to June 1st, 2018), and was therefore a candidate for classification through an automated scoring system. Utilizing variant allele frequency, disease prevalence and penetrance estimates, and inheritance mode, an automated score was calculated to assess if this variant is too frequent to cause the disease. Based on the score and internal cut-off values, a variant classified as benign is not then subjected to further curation. The score for this variant resulted in a classification of benign for this disease.